The following continues an entry in ClinVar:

NM_000077.5(CDKN2A):c.-16GGCGGCGGGGAGCAGCATGGAGCC[3] (p.Pro11_Ser12insAlaAlaGlySerSerMetGluPro)

Gene: CDKN2A. ClinVar aggregate classification (germline): Pathogenic/Likely pathogenic. Pathogenic (5); Likely pathogenic (13).

Submissions 7 to 19 of 19:

Women's Health and Genetics/Laboratory Corporation of America, LabCorp
Classification: Likely pathogenic for Familial melanoma. Last evaluated: 2024-09-19. Review status: criteria provided, single submitter. Criteria: LabCorp Variant Classification Summary - May 2015. Collection method: clinical testing. Allele origin: germline.
Comment: Variant summary: CDKN2A c.9_32dup24 (p.Ala4_Pro11dup) results in an in-frame insertion of an additional copy of a 24 nucleotide repeat sequence that is naturally present in two copies at the 5' end of the CDKN2A gene; and is predicted to result in an insertion of 8 amino acids into the N-terminal end of the p16 (INK4A) protein. The variant allele was found at a frequency of 8.5e-06 in 233942 control chromosomes. c.9_32dup24 has been reported in the literature in multiple individuals affected with melanoma, with evidence of co-segregation with disease in affected families, however with reduced penetrance (Eliason_2006, Morzon_1998, Flores_1997, Harland_1997, Walker_1995, Lang_2005). These data indicate that the variant is very likely to be associated with disease. One study providing experimental evidence for evaluation of an impact on protein function demonstrated diminished cell cycle-inhibitory activity which was associated with decreased inhibition of pRb phosphorylation, even though it effectively bound CDK4 (Becker_2005). However, two other studies found that the variant was fully active in mediating cell cycle arrest, showed wild-type subcellular localization and bound effectively to CDK4 and CDK6 (McKenzie_2010, Monzon_1998). The following publications have been ascertained in the context of this evaluation (PMID: 15945100, 16397522, 9416844, 9328469, 16307646, 20340136, 9516223, 25803691, 8595405). ClinVar contains an entry for this variant (Variation ID: 135827). Based on the evidence outlined above, the variant was classified as likely pathogenic.

Revvity Omics, Revvity
Classification: Likely pathogenic. Last evaluated: 2024-09-06. Review status: criteria provided, single submitter. Criteria: ACMG Guidelines, 2015. Collection method: clinical testing. Allele origin: germline.

Ambry Genetics
Classification: Pathogenic for Hereditary cancer-predisposing syndrome. Last evaluated: 2024-09-05. Review status: criteria provided, single submitter. Criteria: Ambry Variant Classification Scheme 2023. Collection method: clinical testing. Allele origin: germline.
Comment: The c.9_32dup24 pathogenic mutation (also known as p.A4_P11dup), located in coding exon 1 of the CDKN2A gene, results from an in-frame 24 nucleotide duplication between nucleotide positions 9 and 32. This results in the duplication of 8 extra amino acid residues between codons 4 and 11. This alteration has been shown to segregate with disease in multiple familial melanoma kindreds from several countries (Walker GJ et al. Hum. Mol. Genet. 1995 Oct;4:1845-52; Harland M et al. Hum. Mol. Genet. 1997 Nov;6:2061-7; Flores JF et al. Oncogene. 1997 Dec;15:2999-3005; Lang J et al. Br. J. Dermatol. 2005 Dec;153:1121-5; Eliason MJ et al. J. Invest. Dermatol. 2006 Mar;126:660-6). It has also been detected in a familial pancreatic cancer kindred as well as in individuals diagnosed with osteosarcoma, endometrial cancer, or colorectal cancer (Zhen DB et al. Genet. Med. 2015 Jul;17:569-77; Chan SH et al. Genomic Med. 2016;1; Pearlman R et al. JAMA Oncol. 2017 Apr 1;3(4):464-471). Several groups have performed in vitro assays to test for CDK4 binding and they have shown little impact on binding to CDK4 (Parry D and Peters G. Mol. Cell. Biol. 1996 Jul;16:3844-52; Monzon J et al. N. Engl. J. Med. 1998 Mar;38:879-87; Becker TM et al. Int. J. Cancer. 2005 Nov;117:569-73; McKenzie HA et al. Hum. Mutat. 2010 Jun;31:692-701). However, Becker et al. found this variant affects p16INK4a protein levels, its ability to inhibit S-phase when expressed at physiologic levels, and causes reduced phosphorylation of pRb, a downstream target. Of note, this alteration is also designated as 24 bp duplication/insertion, 23ins24, 32ins24, 32_33ins9-32, and p.M1_S8dup in published literature. Based on the available evidence, this alteration is classified as a pathogenic mutation.

Baylor Genetics
Classification: Likely pathogenic for Melanoma and neural system tumor syndrome. Last evaluated: 2024-03-29. Review status: criteria provided, single submitter. Criteria: ACMG Guidelines, 2015. Collection method: clinical testing. Allele origin: unknown.

GeneDx
Classification: Pathogenic. Last evaluated: 2023-08-04. Review status: criteria provided, single submitter. Criteria: GeneDx Variant Classification Process June 2021. Collection method: clinical testing. Allele origin: germline. Affected: yes.
Comment: In-frame insertion of 8 amino acids in a non-repeat region; Observed in individuals with a personal or family history of melanoma, pancreatic, and other cancers (Monzon et al., 1998; Pollock et al., 1998; Aitken et al., 1999; Bishop et al., 2002; Goldstein et al., 2004; Lang et al., 2005; Eliason et al., 2006; Niendorf et al., 2006; Wadt et al., 2015; Zhen et al., 2015; Panou et al., 2018); In silico analysis supports that this variant does not alter protein structure/function; Not observed at significant frequency in large population cohorts (gnomAD); Also known as 23ins24, 1_24dup, 24_47dup24, 32-33ins9-32, 32ins24, M1_S8dup; This variant is associated with the following publications: (PMID: 26207792, 16905682, 16169933, 8668202, 20876876, 10070944, 28135137, 12072543, 16397522, 9416844, 17047042, 9328469, 25780468, 19759551, 16307646, 9516223, 28135136, 11159196, 25803691, 8595405, 28492532, 27978560, 28971906, 15945100, 25356972, 20340136, 9603434, 7559077, 28986857, 30113886, 30117292, 15173226, 9529249, 9653180, 16173922)

Fulgent Genetics
Classification: Likely pathogenic for Melanoma, cutaneous malignant, susceptibility to, 2; Melanoma and neural system tumor syndrome; Melanoma-pancreatic cancer syndrome. Last evaluated: 2022-03-26. Review status: criteria provided, single submitter. Criteria: ACMG Guidelines, 2015. Collection method: clinical testing. Allele origin: unknown.

Quest Diagnostics Nichols Institute San Juan Capistrano
Classification: Pathogenic. Last evaluated: 2022-02-19. Review status: criteria provided, single submitter. Criteria: Quest Diagnostics criteria. Collection method: clinical testing. Allele origin: unknown.
Comment: The frequency of this variant in the general population, 0.000011 (3/265240 chromosomes), is consistent with pathogenicity. In the published literature, the variant has been shown to co-segregate in multiple melanoma families (PMIDs: 8595405 (1995), 9328469 (1997), 9416844 (1997), 16307646 (2005)). It has also been identified in individuals affected with pancreatic cancer (PMID: 25356972 (2015)), colorectal cancer (PMIDs: 27978560 (2016), 28135145 (2017)), endometrial cancer (PMID: 29263814 (2016)), and osteosarcoma (PMID: 29263814 (2016)). Functional studies, however, have not conclusively identified the disease mechanism and some studies show that this variant retains most CDK4 binding activity (PMIDs: 8668202 (1996), 9516223 (1998), 20340136 (2010), 15945100 (2005)), cell cycle control (PMIDs: 8668202 (1996), 20340136 (2010)), and subcellular localization (PMID: 20340136 (2010)). In addition, one study described the variant as functionally impaired after showing it to have weaker cell cycle inhibition (PMID: 15945100 (2005)). Based on the available information, this variant is classified as pathogenic.

Sema4
Classification: Likely pathogenic for Hereditary cancer-predisposing syndrome. Last evaluated: 2021-09-13. Review status: criteria provided, single submitter. Criteria: Sema4 Curation Guidelines. Collection method: curation. Allele origin: germline.
Comment: The CDKN2A c.9_32dup (p.A4_P11dup) variant has been reported in heterozygosity in at least 13 individuals with melanoma (PMID: 19759551, 25803691, 8595405, 10620111, 16905682), pancreatic cancer, or colorectal cancer (PMID: 25356972, 27978560, 28135145). This variant was identified in at least 2 families, and segregated with the melanoma across 7 individuals (PMID: 10620111, 8595405). This variant was observed in 2/35104 chromosomes in the Latino population, according to the Genome Aggregation Database (PMID: 32461654). This variant has been reported in ClinVar (Variation ID: 135827). Several functional studies have been performed, among them, one study suggests that the variant is defective in inhibiting cell proliferation (PMID: 15945100). Another indicates no impact to cell cycle arrest, rather a small reduction in binding to CDK4 protein (PMID: 10620111). Based on the current evidence available, this variant is interpreted as likely pathogenic.

Genetic Services Laboratory, University of Chicago
Classification: Likely pathogenic. Last evaluated: 2021-09-01. Review status: criteria provided, single submitter. Criteria: ACMG Guidelines, 2015. Collection method: clinical testing. Allele origin: germline. Affected: yes.
Comment: This in-frame duplication is predicted to result in the duplication of 8 amino acid residues, p.Ala4_Pro11dup. This sequence change has been reported in the literature in individuals with melanoma and has been reported to segregate with the disease in the multiple families with reduced penetrance (PMIDs: 9516223, 16307646, 25803691, 9416844, 16397522, 9328469). The c.9_32dup sequence change has been described in three heterozygous individuals in gnomAD which corresponds to the population frequency of 0.0011% (dbSNP rs587780668). Functional studies showed that this mutant protein had a normal binding activity similar to the wild-type and they attributed it to the 8 amino acid insertions being located outside of the ankyrin motifs that are thought to be involved in CDK4 binding (PMID: 9516223). This change has also been described as 24 bp duplication/insertion, 23ins24, 32ins24, 32_33ins9-32, and p.M1_S8dup in published literature.

Department of Pathology and Laboratory Medicine, Sinai Health System
Classification: Likely pathogenic for melanoma-pancreatic cancer syndrome. Last evaluated: 2021-08-31. Review status: criteria provided, single submitter. Criteria: ACMG Guidelines, 2015. Collection method: clinical testing. Allele origin: germline. Affected: yes.

AiLife Diagnostics
Classification: Likely pathogenic. Last evaluated: 2021-08-18. Review status: criteria provided, single submitter. Criteria: ACMG Guidelines, 2015. Collection method: clinical testing. Allele origin: germline. Affected: yes. Observed: 1 variant allele.

Illumina Laboratory Services, Illumina
Classification: Pathogenic for Melanoma-pancreatic cancer syndrome. Last evaluated: 2018-10-03. Review status: criteria provided, single submitter. Criteria: ICSLVariantClassificationCriteria RUGD 01 April 2020. Collection method: clinical testing. Allele origin: unknown.
Comment: The CDKN2A c.9_32dup (p.Ala4_Pro11dup) variant has been reported in at least five studies and is found in eleven probands from eight families in a heterozygous state (Monzon et al. 1998; Goldstein et al. 2006; Eliason et al. 2006; Zhen et al. 2015; Wadt et al. 2015). Probands exhibited a range of phenotypes including melanoma and pancreatic cancer. Control data are unavailable for the p.Ala4_Pro11dup variant, which is reported at a frequency of 0.000011 in the Total population of the Genome Aggregation Database. Expression analysis in WMM1175 melanoma cells found weak S-phase inhibition, decreased inhibition of pRb phosphorylation, and is indicated to be associated with defective in controlling cell proliferation (Becker et al. 2005). Analysis using yeast two-hybrid assay found 80% binding activity compared to wildtype (Monzon et al. 1998). Based on the evidence, the c.9_32dup (p.Ala4_Pro11dup) variant is classified as pathogenic for melanoma-pancreatic cancer syndrome.

OMIM
Classification: risk factor for MELANOMA, CUTANEOUS MALIGNANT, SUSCEPTIBILITY TO, 2. Last evaluated: 2010-06-01. Review status: no assertion criteria provided. Collection method: literature only. Allele origin: unknown. Not counted in ClinVar's aggregate classification.

Literature cited by the submitters: PubMed 8595405 (cited by 9 submitters); PubMed 9328469 (cited by 6 submitters); PubMed 9416844 (cited by 8 submitters); PubMed 9516223 (cited by 5 submitters); PubMed 16307646 (cited by 6 submitters); PubMed 16397522 (cited by 4 submitters); PubMed 25803691 (cited by 4 submitters); PubMed 8668202 (cited by 5 submitters); PubMed 15945100 (cited by 6 submitters); PubMed 10620111 (cited by 3 submitters); PubMed 9603434 (cited by 3 submitters); PubMed 25356972 (cited by 3 submitters); PubMed 8880901 (cited by Color Diagnostics, LLC DBA Color Health); PubMed 16905682 (cited by 4 submitters); PubMed 20340136 (cited by 4 submitters); PubMed 28830827 (cited by Color Diagnostics, LLC DBA Color Health and AiLife Diagnostics); PubMed 7666916 (cited by Quest Diagnostics Nichols Institute San Juan Capistrano); PubMed 28971906 (cited by Quest Diagnostics Nichols Institute San Juan Capistrano); PubMed 29263814 (cited by Quest Diagnostics Nichols Institute San Juan Capistrano); PubMed 28135145 (cited by Quest Diagnostics Nichols Institute San Juan Capistrano and Sema4); PubMed 27978560 (cited by Quest Diagnostics Nichols Institute San Juan Capistrano and Sema4); PubMed 19759551 (cited by Sema4); PubMed 15495100 (cited by Department of Pathology and Laboratory Medicine, Sinai Health System); PubMed 12072543 (cited by AiLife Diagnostics); PubMed 26976419 (cited by AiLife Diagnostics); PubMed 11506491 (cited by OMIM); PubMed 7559077 (cited by OMIM).